The following is an entry in ClinVar:

NM_012431.3(SEMA3E):c.1404C>G (p.Asn468Lys)

Gene: SEMA3E (semaphorin 3E; minus strand). Cytogenetic location: 7q21.11.
Variant type: single nucleotide variant.
Coding change: c.1404C>G on transcript NM_012431.3 (MANE Select); coding-DNA position 1404, C replaced by G.
Protein change: p.Asn468Lys; replaces asparagine 468 with lysine.
Molecular consequence: missense variant.
Genome position (GRCh38, 1-based): chr7:83,396,692, G>C on the plus strand (C>G on the coding strand, the complement: SEMA3E is on the minus strand). VCF-style: chr7-83396692-G-C. GRCh37 (hg19) VCF-style: chr7-83026008-G-C.
Other names: c.1224C>G, p.Asn408Lys (NM_001178129.2); short protein forms N468K, N408K.
Identifiers: ClinVar variation 2274976 (VCV002274976.6), dbSNP rs1349675009, ClinGen allele CA367925332.

ClinVar aggregate classification (germline): Uncertain significance. Review status: criteria provided, multiple submitters, no conflicts (2 of 4 stars). 3 submissions from 3 submitters: Uncertain significance (3). Last evaluated 2025-10-23.

Conditions:
SEMA3E-related disorder. Also called: SEMA3E-related condition.
CHARGE syndrome (CHARGE). Also called: Hittner Hirsch Kreh syndrome; CHARGE ASSOCIATION--COLOBOMA, HEART ANOMALY, CHOANAL ATRESIA, RETARDATION, GENITAL AND EAR ANOMALIES; Coloboma, heart anomaly, choanal atresia, retardation, genital and ear anomalies; CHARGE association; Hall-Hittner syndrome. Identifiers: Orphanet 138, MedGen C0265354, MONDO:0008965.

gnomAD v4.1: 2 of 1,606,326 alleles (0.00012%); highest among the groups gnomAD compares: Admixed American, 0.0033%; no homozygotes.

Submissions (3):

PreventionGenetics, part of Exact Sciences
Classification: Uncertain significance for SEMA3E-related condition. Last evaluated: 2025-10-23. Review status: criteria provided, single submitter. Criteria: ACMG Guidelines, 2015. Collection method: clinical testing. Allele origin: germline.
Comment: The SEMA3E c.1404C>G variant is predicted to result in the amino acid substitution p.Asn468Lys. To our knowledge, this variant has not been reported in the literature or in a large population database (gnomAD), indicating this variant is rare. At this time, the clinical significance of this variant is uncertain due to the absence of conclusive functional and genetic evidence.

Labcorp Genetics (formerly Invitae), Labcorp
Classification: Uncertain significance for CHARGE syndrome. Last evaluated: 2025-08-18. Review status: criteria provided, single submitter. Criteria: Invitae Variant Classification Sherloc (09022015). Collection method: clinical testing. Allele origin: germline.
Comment: This sequence change replaces asparagine, which is neutral and polar, with lysine, which is basic and polar, at codon 468 of the SEMA3E protein (p.Asn468Lys). This variant is present in population databases (no rsID available, gnomAD 0.003%). This variant has not been reported in the literature in individuals affected with SEMA3E-related conditions. ClinVar contains an entry for this variant (Variation ID: 2274976). An algorithm developed to predict the effect of missense changes on protein structure and function (PolyPhen-2) suggests that this variant is likely to be disruptive. In summary, the available evidence is currently insufficient to determine the role of this variant in disease. Therefore, it has been classified as a Variant of Uncertain Significance.

Ambry Genetics
Classification: Uncertain significance. Last evaluated: 2022-02-02. Review status: criteria provided, single submitter. Criteria: Ambry Variant Classification Scheme 2023. Collection method: clinical testing. Allele origin: germline.